The following is an entry in ClinVar:

NM_004525.3(LRP2):c.9937G>T (p.Asp3313Tyr)

Gene: LRP2 (LDL receptor related protein 2; minus strand). Cytogenetic location: 2q31.1.
Variant type: single nucleotide variant.
Coding change: c.9937G>T on transcript NM_004525.3 (MANE Select); coding-DNA position 9937, G replaced by T.
Protein change: p.Asp3313Tyr; replaces aspartic acid 3313 with tyrosine.
Molecular consequence: missense variant.
Genome position (GRCh38, 1-based): chr2:169,182,228, C>A on the plus strand (G>T on the coding strand, the complement: LRP2 is on the minus strand). VCF-style: chr2-169182228-C-A. GRCh37 (hg19) VCF-style: chr2-170038738-C-A.
Other names: short protein forms D3313Y.
Identifiers: ClinVar variation 1502608 (VCV001502608.3), dbSNP rs1040939643, ClinGen allele CA59916223.

ClinVar aggregate classification (germline): Uncertain significance (1 of 4 stars; one submission).

Allele frequency attached by ClinVar (database versions not stated): gnomAD exomes below 0.00001; TOPMed 0.00001.
gnomAD v4.1: 2 of 1,614,004 alleles (0.00012%); highest among the groups gnomAD compares: Admixed American, 0.0017%; no homozygotes.

Submission:

Labcorp Genetics (formerly Invitae), Labcorp
Classification: Uncertain significance. Last evaluated: 2022-02-25. Review status: criteria provided, single submitter. Criteria: Invitae Variant Classification Sherloc (09022015). Collection method: clinical testing. Allele origin: germline.
Comment: This sequence change replaces aspartic acid, which is acidic and polar, with tyrosine, which is neutral and polar, at codon 3313 of the LRP2 protein (p.Asp3313Tyr). This variant is not present in population databases (gnomAD no frequency). This variant has not been reported in the literature in individuals affected with LRP2-related conditions. Advanced modeling of protein sequence and biophysical properties (such as structural, functional, and spatial information, amino acid conservation, physicochemical variation, residue mobility, and thermodynamic stability) performed at Invitae indicates that this missense variant is expected to disrupt LRP2 protein function. Algorithms developed to predict the effect of sequence changes on RNA splicing suggest that this variant may create or strengthen a splice site. In summary, the available evidence is currently insufficient to determine the role of this variant in disease. Therefore, it has been classified as a Variant of Uncertain Significance.